The following is an entry in ClinVar:

NM_182493.3(MYLK3):c.700C>T (p.Gln234Ter)

Gene: MYLK3 (myosin light chain kinase 3; minus strand). Cytogenetic location: 16q11.2.
Variant type: single nucleotide variant.
Coding change: c.700C>T on transcript NM_182493.3 (MANE Select); coding-DNA position 700, C replaced by T.
Protein change: p.Gln234Ter; replaces glutamine 234 with a stop codon.
Molecular consequence: nonsense. On other transcripts: intron variant (1).
Genome position (GRCh38, 1-based): chr16:46,738,012, G>A on the plus strand (C>T on the coding strand, the complement: MYLK3 is on the minus strand). VCF-style: chr16-46738012-G-A. GRCh37 (hg19) VCF-style: chr16-46771924-G-A.
Other names: c.-23+2045C>T (NM_001308301.1); short protein forms Q234*.
Identifiers: ClinVar variation 2161306 (VCV002161306.4), dbSNP rs1257966650, ClinGen allele CA395794402.
Genomic context (GRCh38, chr16:46,738,012, plus strand): 5'-GTGTCTCAGGAGCCTTGGCTTCCACCTTTGTGGGCAGGGGCAGGTGGCCAGGGAATGCCT[G>A]GGCTGGGCCAGGAACACCATCTCCCTGGCCCGGTGAGACCACTGCCTGGGCGGGGTCAGC-3'

ClinVar aggregate classification (germline): Uncertain significance (1 of 4 stars; one submission).

Allele frequency attached by ClinVar (database versions not stated): gnomAD exomes 0.00001; TOPMed 0.00001; gnomAD 0.00001.
gnomAD v4.1: 6 of 1,613,198 alleles (0.00037%); highest among the groups gnomAD compares: Admixed American, 0.0033%; no homozygotes.

Submission:

Labcorp Genetics (formerly Invitae), Labcorp
Classification: Uncertain significance. Last evaluated: 2022-06-25. Review status: criteria provided, single submitter. Criteria: Invitae Variant Classification Sherloc (09022015). Collection method: clinical testing. Allele origin: germline.
Comment: This sequence change creates a premature translational stop signal (p.Gln234*) in the MYLK3 gene. It is expected to result in an absent or disrupted protein product. However, the current clinical and genetic evidence is not sufficient to establish whether loss-of-function variants in MYLK3 cause disease. In summary, the available evidence is currently insufficient to determine the role of this variant in disease. Therefore, it has been classified as a Variant of Uncertain Significance. This variant has not been reported in the literature in individuals affected with MYLK3-related conditions. This variant is present in population databases (no rsID available, gnomAD 0.006%).